The following is an entry in ClinVar:

ClinVar aggregate classification (germline): Uncertain significance. Review status: criteria provided, multiple submitters, no conflicts (2 of 4 stars). 3 submissions from 3 submitters: Uncertain significance (3). Last evaluated 2026-04-28.

Conditions:
Charcot-Marie-Tooth disease recessive intermediate C. Also called: CHARCOT-MARIE-TOOTH NEUROPATHY, RECESSIVE INTERMEDIATE C. Identifiers: Orphanet 369867, MedGen C3809309, MONDO:0014154, OMIM 615376.
Neuronopathy, distal hereditary motor, autosomal recessive 4. Also called: NEUROPATHY, DISTAL HEREDITARY MOTOR, AUTOSOMAL RECESSIVE 4; Autosomal recessive lower motor neuron disease with childhood onset. Identifiers: Orphanet 206580, MedGen C1970211, MONDO:0012608, OMIM 611067.
Inborn genetic diseases. Identifiers: MedGen C0950123, MeSH D030342.

Allele frequency attached by ClinVar (database versions not stated): gnomAD 0.00004 and 0.00003; TOPMed 0.00007; gnomAD exomes 0.00001.
gnomAD v4.1: 10 of 1,588,746 alleles (0.00063%); highest among the groups gnomAD compares: Admixed American, 0.014%; no homozygotes.

Submissions (3):

Women's Health and Genetics/Laboratory Corporation of America, LabCorp
Classification: Uncertain significance. Last evaluated: 2026-04-28. Review status: criteria provided, single submitter. Criteria: LabCorp Variant Classification Summary - May 2015. Collection method: clinical testing. Allele origin: germline.
Comment: Variant summary: PLEKHG5 c.1145G>C (p.Arg382Pro) results in a non-conservative amino acid change in the encoded protein sequence. Algorithms developed to predict the effect of missense changes on protein structure and function are either unavailable or do not agree on the potential impact of this missense change. The variant allele was found at a frequency of 1e-05 in 193440 control chromosomes. The available data on variant occurrences in the general population are insufficient to allow any conclusion about variant significance. To our knowledge, no occurrence of c.1145G>C in individuals affected with PLEKHG5-related conditions and no experimental evidence demonstrating its impact on protein function have been reported. ClinVar contains an entry for this variant (Variation ID: 1040144). Based on the evidence outlined above, the variant was classified as uncertain significance.

Ambry Genetics
Classification: Uncertain significance for Inborn genetic diseases. Last evaluated: 2024-03-01. Review status: criteria provided, single submitter. Criteria: Ambry Variant Classification Scheme 2023. Collection method: clinical testing. Allele origin: germline.

Labcorp Genetics (formerly Invitae), Labcorp
Classification: Uncertain significance for Neuronopathy, distal hereditary motor, autosomal recessive 4; Charcot-Marie-Tooth disease recessive intermediate C. Last evaluated: 2021-08-27. Review status: criteria provided, single submitter. Criteria: Invitae Variant Classification Sherloc (09022015). Collection method: clinical testing. Allele origin: germline.
Comment: This sequence change replaces arginine with proline at codon 382 of the PLEKHG5 protein (p.Arg382Pro). The arginine residue is moderately conserved and there is a moderate physicochemical difference between arginine and proline. This variant is not present in population databases (ExAC no frequency). This variant has not been reported in the literature in individuals affected with PLEKHG5-related conditions. Algorithms developed to predict the effect of missense changes on protein structure and function are either unavailable or do not agree on the potential impact of this missense change (SIFT: "Tolerated"; PolyPhen-2: "Possibly Damaging"; Align-GVGD: "Class C0"). In summary, the available evidence is currently insufficient to determine the role of this variant in disease. Therefore, it has been classified as a Variant of Uncertain Significance.

NM_020631.6(PLEKHG5):c.1145G>C (p.Arg382Pro)

Gene: PLEKHG5 (pleckstrin homology and RhoGEF domain containing G5; minus strand). Cytogenetic location: 1p36.31.
Variant type: single nucleotide variant.
Coding change: c.1145G>C on transcript NM_020631.6 (MANE Select); coding-DNA position 1145, G replaced by C.
Protein change: p.Arg382Pro; replaces arginine 382 with proline.
Molecular consequence: missense variant.
Genome position (GRCh38, 1-based): chr1:6,471,624, C>G on the plus strand (G>C on the coding strand, the complement: PLEKHG5 is on the minus strand). VCF-style: chr1-6471624-C-G. GRCh37 (hg19) VCF-style: chr1-6531684-C-G.
Other names: c.1256G>C, p.Arg419Pro (NM_001042663.3, NM_001265592.2); c.1145G>C, p.Arg382Pro (NM_001042664.2, NM_001042665.2, NM_001265594.3 and 1 more transcripts); c.1352G>C, p.Arg451Pro (NM_001265593.2); short protein forms R419P, R451P, R382P.
Identifiers: ClinVar variation 1040144 (VCV001040144.8), dbSNP rs1020039192, ClinGen allele CA17238362.
Genomic context (GRCh38, chr1:6,471,624, plus strand): 5'-ATCACGCTAGCCCACAGCCTGCGGTGCAGCTGCGCGATCTCCGGGATGTTGCTGAACAGG[C>G]GCTCCGCCTCCACCTGGGCGCGGCGGGAGGTGCGGTTGGCCACGCCCCTCCGCCAGGTTA-3'
Protein context (NP_065682.2, residues 372-392): SGLLCEVEAE[Arg382Pro]LFSNIPEIAQ